The following is an entry in ClinVar:

ClinVar aggregate classification (germline): Uncertain significance. Review status: criteria provided, multiple submitters, no conflicts (2 of 4 stars). 2 submissions from 2 submitters: Uncertain significance (2). Last evaluated 2026-07-31.

Conditions:
Singleton-Merten syndrome 1 (SGMRT1). Also called: Syndrome of widened medullary cavities of the metacarpals and phalanges, aortic calcification and abnormal dentition; Widened medullary cavities of bone, aortic calcification, abnormal dentition, and muscular weakness. Identifiers: Orphanet 85191, MedGen C4225427, MONDO:0024535, OMIM 182250.
Aicardi-Goutieres syndrome 7 (AGS7). Identifiers: Orphanet 51, MedGen C3888244, MONDO:0014367, OMIM 615846.

Submissions (2):

GeneDx
Classification: Uncertain significance. Last evaluated: 2026-07-31. Review status: criteria provided, single submitter. Criteria: GeneDx Variant Classification Process June 2021. Collection method: clinical testing. Allele origin: germline.
Comment: Not observed at significant frequency in large population cohorts (gnomAD); In silico analysis suggests that this missense variant does not alter protein structure/function; Has not been previously published as pathogenic or benign to our knowledge

Labcorp Genetics (formerly Invitae), Labcorp
Classification: Uncertain significance for Aicardi-Goutieres syndrome 7; Singleton-Merten syndrome 1. Last evaluated: 2023-05-01. Review status: criteria provided, single submitter. Criteria: Invitae Variant Classification Sherloc (09022015). Collection method: clinical testing. Allele origin: germline.
Comment: This variant has not been reported in the literature in individuals affected with IFIH1-related conditions. This sequence change replaces valine, which is neutral and non-polar, with isoleucine, which is neutral and non-polar, at codon 817 of the IFIH1 protein (p.Val817Ile). This variant is not present in population databases (gnomAD no frequency). ClinVar contains an entry for this variant (Variation ID: 1922254). Algorithms developed to predict the effect of missense changes on protein structure and function output the following: SIFT: "Not Available"; PolyPhen-2: "Benign"; Align-GVGD: "Not Available". The isoleucine amino acid residue is found in multiple mammalian species, which suggests that this missense change does not adversely affect protein function. In summary, the available evidence is currently insufficient to determine the role of this variant in disease. Therefore, it has been classified as a Variant of Uncertain Significance.

NM_022168.4(IFIH1):c.2449G>A (p.Val817Ile)

Gene: IFIH1 (interferon induced with helicase C domain 1; minus strand). Cytogenetic location: 2q24.2.
Variant type: single nucleotide variant.
Coding change: c.2449G>A on transcript NM_022168.4 (MANE Select); coding-DNA position 2449, G replaced by A.
Protein change: p.Val817Ile; replaces valine 817 with isoleucine.
Molecular consequence: missense variant.
Genome position (GRCh38, 1-based): chr2:162,273,800, C>T on the plus strand (G>A on the coding strand, the complement: IFIH1 is on the minus strand). VCF-style: chr2-162273800-C-T. GRCh37 (hg19) VCF-style: chr2-163130310-C-T.
Other names: c.2449G>A (NM_022168.3); short protein forms V817I.
Identifiers: ClinVar variation 1922254 (VCV001922254.8), dbSNP rs1691093160, ClinGen allele CA348995681.